The following is an entry in ClinVar:

ClinVar aggregate classification (germline): Uncertain significance. Review status: criteria provided, multiple submitters, no conflicts (2 of 4 stars). 2 submissions from 2 submitters: Uncertain significance (2). Last evaluated 2023-10-24.

Conditions:
Inborn genetic diseases. Identifiers: MedGen C0950123, MeSH D030342.
Dyskeratosis congenita. Identifiers: Orphanet 1775, MedGen C0265965, MONDO:0015780.

gnomAD v4.1: 6 of 1,613,670 alleles (0.00037%); highest among the groups gnomAD compares: East Asian, 0.0022%; no homozygotes.

Submissions (2):

Ambry Genetics
Classification: Uncertain significance for Inborn genetic diseases. Last evaluated: 2023-10-24. Review status: criteria provided, single submitter. Criteria: Ambry Variant Classification Scheme 2023. Collection method: clinical testing. Allele origin: germline.

Labcorp Genetics (formerly Invitae), Labcorp
Classification: Uncertain significance for Dyskeratosis congenita. Last evaluated: 2022-04-12. Review status: criteria provided, single submitter. Criteria: Invitae Variant Classification Sherloc (09022015). Collection method: clinical testing. Allele origin: germline.
Comment: In summary, the available evidence is currently insufficient to determine the role of this variant in disease. Therefore, it has been classified as a Variant of Uncertain Significance. Algorithms developed to predict the effect of missense changes on protein structure and function output the following: SIFT: "Tolerated"; PolyPhen-2: "Benign"; Align-GVGD: "Class C0". The threonine amino acid residue is found in multiple mammalian species, which suggests that this missense change does not adversely affect protein function. This variant has not been reported in the literature in individuals affected with CTC1-related conditions. This variant is present in population databases (no rsID available, gnomAD 0.006%). This sequence change replaces alanine, which is neutral and non-polar, with threonine, which is neutral and polar, at codon 825 of the CTC1 protein (p.Ala825Thr).

NM_025099.6(CTC1):c.2473G>A (p.Ala825Thr)

Gene: CTC1 (CST telomere replication complex component 1; minus strand). Cytogenetic location: 17p13.1.
Variant type: single nucleotide variant.
Coding change: c.2473G>A on transcript NM_025099.6 (MANE Select); coding-DNA position 2473, G replaced by A.
Protein change: p.Ala825Thr; replaces alanine 825 with threonine.
Molecular consequence: missense variant. On other transcripts: non-coding transcript variant (1).
Genome position (GRCh38, 1-based): chr17:8,231,728, C>T on the plus strand (G>A on the coding strand, the complement: CTC1 is on the minus strand). VCF-style: chr17-8231728-C-T. GRCh37 (hg19) VCF-style: chr17-8135046-C-T.
Other names: c.2473G>A (NM_025099.5); short protein forms A825T.
Identifiers: ClinVar variation 1375127 (VCV001375127.7), dbSNP rs915406565, ClinGen allele CA397976480.